The following is an entry in ClinVar:

ClinVar aggregate classification (germline): Likely pathogenic (1 of 4 stars; one submission).

Conditions:
Bardet-Biedl syndrome (BBS). Identifiers: Orphanet 110, MedGen C0752166, MONDO:0015229.

Submission:

Labcorp Genetics (formerly Invitae), Labcorp
Classification: Likely pathogenic for Bardet-Biedl syndrome. Last evaluated: 2024-06-05. Review status: criteria provided, single submitter. Criteria: Invitae Variant Classification Sherloc (09022015). Collection method: clinical testing. Allele origin: germline.
Comment: This sequence change replaces valine, which is neutral and non-polar, with aspartic acid, which is acidic and polar, at codon 30 of the BBS9 protein (p.Val30Asp). This variant is not present in population databases (gnomAD no frequency). This missense change has been observed in individual(s) with Bardet-Biedl syndrome (Invitae). In at least one individual the data is consistent with being in trans (on the opposite chromosome) from a pathogenic variant. Advanced modeling of protein sequence and biophysical properties (such as structural, functional, and spatial information, amino acid conservation, physicochemical variation, residue mobility, and thermodynamic stability) performed at Invitae indicates that this missense variant is expected to disrupt BBS9 protein function with a positive predictive value of 80%. In summary, the currently available evidence indicates that the variant is pathogenic, but additional data are needed to prove that conclusively. Therefore, this variant has been classified as Likely Pathogenic.

NM_198428.3(BBS9):c.89T>A (p.Val30Asp)

Gene: BBS9 (Bardet-Biedl syndrome 9; plus strand). Cytogenetic location: 7p14.3.
Variant type: single nucleotide variant.
Coding change: c.89T>A on transcript NM_198428.3 (MANE Select); coding-DNA position 89, T replaced by A.
Protein change: p.Val30Asp; replaces valine 30 with aspartic acid.
Molecular consequence: missense variant. On other transcripts: non-coding transcript variant (3), intron variant (4), 5 prime UTR variant (3).
Genome position (GRCh38, 1-based): chr7:33,146,341, T>A. VCF-style: chr7-33146341-T-A. GRCh37 (hg19) VCF-style: chr7-33185953-T-A.
Other names: c.-23-6360T>A (NM_001348042.3); c.-189-6360T>A (NM_001348045.3); c.-39+16300T>A (NM_001348046.3, NM_001348044.3); c.89T>A, p.Val30Asp (NM_001033604.2, NM_001033605.2, NM_001348036.1 and 5 more transcripts); c.-213T>A (NM_001348037.3); c.-189T>A (NM_001348038.3, NM_001348039.3); short protein forms V30D.
Identifiers: ClinVar variation 3646242 (VCV003646242.2).